The following is an entry in ClinVar:

NM_004991.4(MECOM):c.3635C>T (p.Thr1212Ile)

Gene: MECOM (MDS1 and EVI1 complex locus; minus strand). Cytogenetic location: 3q26.2.
Variant type: single nucleotide variant.
Coding change: c.3635C>T on transcript NM_004991.4 (MANE Select); coding-DNA position 3635, C replaced by T.
Protein change: p.Thr1212Ile; replaces threonine 1212 with isoleucine.
Molecular consequence: missense variant.
Genome position (GRCh38, 1-based): chr3:169,084,994, G>A on the plus strand (C>T on the coding strand, the complement: MECOM is on the minus strand). VCF-style: chr3-169084994-G-A. GRCh37 (hg19) VCF-style: chr3-168802782-G-A.
Other names: c.3266C>T, p.Thr1089Ile (NM_001105077.4); c.3071C>T, p.Thr1024Ile (NM_001105078.4, NM_001205194.2, NM_001366469.2 and 1 more transcripts); c.3047C>T, p.Thr1016Ile (NM_001163999.2, NM_001366470.2); c.3044C>T, p.Thr1015Ile (NM_001164000.2, NM_001366471.2, NM_001366472.2); c.3608C>T, p.Thr1203Ile (NM_001366466.2); c.3074C>T, p.Thr1025Ile (NM_001366467.2, NM_001366468.2); c.2636C>T, p.Thr879Ile (NM_001366473.2); c.2072C>T, p.Thr691Ile (NM_001366474.2); and 1 more; short protein forms T1015I, T1016I, T1024I, T1025I, T1089I, T1203I, T1212I, T691I.
Identifiers: ClinVar variation 1707922 (VCV001707922.3), dbSNP rs759485296, ClinGen allele CA2695839.

ClinVar aggregate classification (germline): Uncertain significance. Review status: criteria provided, multiple submitters, no conflicts (2 of 4 stars). 2 submissions from 2 submitters: Uncertain significance (2). Last evaluated 2025-01-13.

Conditions:
Inborn genetic diseases. Identifiers: MedGen C0950123, MeSH D030342.

Allele frequency attached by ClinVar (database versions not stated): gnomAD exomes below 0.00001; ExAC 0.00001.
gnomAD v4.1: 1 of 1,614,152 alleles (0.000062%); highest among the groups gnomAD compares: South Asian, 0.0011%; no homozygotes.

Submissions (2):

Ambry Genetics
Classification: Uncertain significance for Inborn genetic diseases. Last evaluated: 2025-01-13. Review status: criteria provided, single submitter. Criteria: Ambry Variant Classification Scheme 2023. Collection method: clinical testing. Allele origin: germline.
Comment: The p.T1212I variant (also known as c.3635C>T), located in coding exon 17 of the MECOM gene, results from a C to T substitution at nucleotide position 3635. The threonine at codon 1212 is replaced by isoleucine, an amino acid with similar properties. This amino acid position is conserved. In addition, this alteration is predicted to be tolerated by in silico analysis. Based on the available evidence, the clinical significance of this variant remains unclear.

GeneDx
Classification: Uncertain significance. Last evaluated: 2022-03-27. Review status: criteria provided, single submitter. Criteria: GeneDx Variant Classification Process June 2021. Collection method: clinical testing. Allele origin: germline. Affected: yes.
Comment: In silico analysis supports that this missense variant does not alter protein structure/function; In silico analysis, which includes splice predictors and evolutionary conservation, suggests this variant may impact gene splicing. In the absence of RNA/functional studies, the actual effect of this sequence change is unknown.; Has not been previously published as pathogenic or benign to our knowledge